The following is an entry in ClinVar:

NM_001384140.1(PCDH15):c.4079T>C (p.Val1360Ala)

Gene: PCDH15 (protocadherin related 15; minus strand). Cytogenetic location: 10q21.1.
Variant type: single nucleotide variant.
Coding change: c.4079T>C on transcript NM_001384140.1 (MANE Select); coding-DNA position 4079, T replaced by C.
Protein change: p.Val1360Ala; replaces valine 1360 with alanine.
Molecular consequence: missense variant.
Genome position (GRCh38, 1-based): chr10:53,831,438, A>G on the plus strand (T>C on the coding strand, the complement: PCDH15 is on the minus strand). VCF-style: chr10-53831438-A-G. GRCh37 (hg19) VCF-style: chr10-55591198-A-G.
Other names: c.4094T>C, p.Val1365Ala (NM_001142763.2, NM_001142771.2); c.4079T>C, p.Val1360Ala (NM_001142764.2, NM_001142766.2, NM_001142770.3 and 4 more transcripts); c.3866T>C, p.Val1289Ala (NM_001142765.2); c.3968T>C, p.Val1323Ala (NM_001142767.2); c.4013T>C, p.Val1338Ala (NM_001142768.2, NM_001142773.2, NM_001354404.2); c.4115T>C, p.Val1372Ala (NM_001142769.4); c.4100T>C, p.Val1367Ala (NM_001354411.2); short protein forms V1360A, V1367A, V1323A, V1372A, V1365A, V1289A, V1338A.
Identifiers: ClinVar variation 2161892 (VCV002161892.2), dbSNP rs772999821, ClinGen allele CA5505473.

ClinVar aggregate classification (germline): Uncertain significance (1 of 4 stars; one submission).

Allele frequency attached by ClinVar (database versions not stated): ExAC 0.00001; gnomAD exomes 0.00001.
gnomAD v4.1: 16 of 1,614,186 alleles (0.00099%); highest among the groups gnomAD compares: South Asian, 0.014%; no homozygotes.

Submission:

Labcorp Genetics (formerly Invitae), Labcorp
Classification: Uncertain significance. Last evaluated: 2023-12-06. Review status: criteria provided, single submitter. Criteria: Invitae Variant Classification Sherloc (09022015). Collection method: clinical testing. Allele origin: germline.
Comment: This sequence change replaces valine, which is neutral and non-polar, with alanine, which is neutral and non-polar, at codon 1360 of the PCDH15 protein (p.Val1360Ala). This variant is present in population databases (rs772999821, gnomAD 0.02%). This variant has not been reported in the literature in individuals affected with PCDH15-related conditions. ClinVar contains an entry for this variant (Variation ID: 2161892). Advanced modeling of protein sequence and biophysical properties (such as structural, functional, and spatial information, amino acid conservation, physicochemical variation, residue mobility, and thermodynamic stability) has been performed at Invitae for this missense variant, however the output from this modeling did not meet the statistical confidence thresholds required to predict the impact of this variant on PCDH15 protein function. In summary, the available evidence is currently insufficient to determine the role of this variant in disease. Therefore, it has been classified as a Variant of Uncertain Significance.